The following is an entry in ClinVar:

NM_000093.5(COL5A1):c.1720-11T>A

Gene: COL5A1 (collagen type V alpha 1 chain; plus strand). Cytogenetic location: 9q34.3.
Variant type: single nucleotide variant.
Coding change: c.1720-11T>A on transcript NM_000093.5 (MANE Select); 11 bases into the intron before coding-DNA position 1720, T replaced by A.
Molecular consequence: intron variant.
Genome position (GRCh38, 1-based): chr9:134,753,839, T>A. VCF-style: chr9-134753839-T-A. GRCh37 (hg19) VCF-style: chr9-137645685-T-A.
Other names: c.1720-11T>A (NM_001278074.1).
Identifiers: ClinVar variation 212940 (VCV000212940.16), dbSNP rs863223444, ClinGen allele CA320680.

ClinVar aggregate classification (germline): Likely pathogenic. Review status: criteria provided, multiple submitters, no conflicts (2 of 4 stars). 3 submissions from 3 submitters: Likely pathogenic (3). Last evaluated 2025-10-26.

Conditions:
Ehlers-Danlos syndrome, classic type, 1 (EDSCL1). Also called: Ehlers-Danlos Syndrome, Classic Type, COL5A1-Related; EHLERS-DANLOS SYNDROME, GRAVIS TYPE; EHLERS-DANLOS SYNDROME, SEVERE CLASSIC TYPE; Ehlers-Danlos syndrome, type 1; EDS I. Identifiers: MedGen C0268335, MONDO:0019567, OMIM 130000.
Familial thoracic aortic aneurysm and aortic dissection (TAAD). Also called: Thoracic aortic aneurysms and dissections. Identifiers: Orphanet 91387, MedGen C4707243, MONDO:0019625.

Allele frequency attached by ClinVar (database versions not stated): TOPMed below 0.00001; gnomAD 0.00001.
gnomAD v4.1: 1 of 1,374,830 alleles (0.000073%); highest among the groups gnomAD compares: Non-Finnish European, 0.000097%; no homozygotes.

Submissions (3):

Labcorp Genetics (formerly Invitae), Labcorp
Classification: Likely pathogenic for Ehlers-Danlos syndrome, classic type, 1. Last evaluated: 2025-10-26. Review status: criteria provided, single submitter. Criteria: Invitae Variant Classification Sherloc (09022015). Collection method: clinical testing. Allele origin: germline.
Comment: This sequence change falls in intron 14 of the COL5A1 gene. It does not directly change the encoded amino acid sequence of the COL5A1 protein. This variant is not present in population databases (gnomAD no frequency). This variant has been observed in individuals with Ehlers-Danlos syndrome (PMID: 10796876, 38929591; internal data). This variant is also known as IVS14−11T→A. ClinVar contains an entry for this variant (Variation ID: 212940). Studies have shown that this variant is associated with inconclusive levels of altered splicing (PMID: 10796876). In summary, the currently available evidence indicates that the variant is pathogenic, but additional data are needed to prove that conclusively. Therefore, this variant has been classified as Likely Pathogenic.

GeneDx
Classification: Likely pathogenic. Last evaluated: 2025-04-14. Review status: criteria provided, single submitter. Criteria: GeneDx Variant Classification Process June 2021. Collection method: clinical testing. Allele origin: germline. Affected: yes.
Comment: Not observed at significant frequency in large population cohorts (gnomAD); Damages or destroys the splice acceptor site in intron 14, and functional RNA studies demonstrated a small amount of aberrant mRNA where exon 15 was skipped (PMID: 10796876). The loss of the encoded residues in the triple helical region is expected to disrupt normal protein folding and function (PMID: 22696272; HGMD); In silico analysis supports a deleterious effect on splicing; This variant is associated with the following publications: (PMID: 10796876)

Ambry Genetics
Classification: Likely pathogenic for Familial thoracic aortic aneurysm and aortic dissection. Last evaluated: 2023-10-26. Review status: criteria provided, single submitter. Criteria: Ambry Variant Classification Scheme 2023. Collection method: clinical testing. Allele origin: germline.
Comment: The c.1720-11T>A intronic variant results from a T to A substitution 11 nucleotides upstream from coding exon 15 in the COL5A1 gene. This variant has been detected in individuals with features consistent with Ehlers-Danlos syndrome (Schwarze U et al. Am J Hum Genet, 2000 Jun;66:1757-65; external communication). This variant is considered to be rare based on population cohorts in the Genome Aggregation Database (gnomAD). This nucleotide position is highly conserved in available vertebrate species. In silico splice site analysis predicts that this alteration will weaken the native splice acceptor site. Based on the majority of available evidence to date, this variant is likely to be pathogenic.

Literature cited by the submitters: PubMed 10796876 (cited by Labcorp Genetics (formerly Invitae), Labcorp and Ambry Genetics); PubMed 38929591 (cited by Labcorp Genetics (formerly Invitae), Labcorp).